The following is an entry in ClinVar:

NM_001003694.2(BRPF1):c.1129A>G (p.Ile377Val)

Gene: BRPF1 (bromodomain and PHD finger containing 1; plus strand). Cytogenetic location: 3p25.3.
Variant type: single nucleotide variant.
Coding change: c.1129A>G on transcript NM_001003694.2 (MANE Select); coding-DNA position 1129, A replaced by G.
Protein change: p.Ile377Val; replaces isoleucine 377 with valine.
Molecular consequence: missense variant. On other transcripts: non-coding transcript variant (1).
Genome position (GRCh38, 1-based): chr3:9,739,528, A>G. VCF-style: chr3-9739528-A-G. GRCh37 (hg19) VCF-style: chr3-9781212-A-G.
Other names: c.1129A>G, p.Ile377Val (NM_001319049.2, NM_001319050.2, NM_001410704.1 and 1 more transcripts); short protein forms I377V.
Identifiers: ClinVar variation 3250913 (VCV003250913.18), dbSNP rs1358225322.

ClinVar aggregate classification (germline): Uncertain significance (1 of 4 stars; one submission).

Allele frequency attached by ClinVar (database versions not stated): gnomAD exomes below 0.00001.
gnomAD v4.1: 2 of 1,613,498 alleles (0.00012%); highest among the groups gnomAD compares: Non-Finnish European, 0.00017%; no homozygotes.

Submission:

CeGaT Center for Human Genetics Tuebingen
Classification: Uncertain significance. Last evaluated: 2024-06-01. Review status: criteria provided, single submitter. Criteria: CeGaT Center For Human Genetics Tuebingen Variant Classification Criteria Version 2. Collection method: clinical testing. Allele origin: germline. Affected: yes. Observed: 1 variant allele.
Comment: BRPF1: PM2